The following is an entry in ClinVar:

NC_000012.11:g.(?_56396006)_(56398811_?)del

Gene: SUOX (sulfite oxidase; plus strand). Cytogenetic location: 12q13.2.
Variant type: Deletion.
Identifiers: ClinVar variation 3244255 (VCV003244255.1).

ClinVar aggregate classification (germline): Pathogenic (1 of 4 stars; one submission).

Conditions:
Sulfite oxidase deficiency. Also called: Isolated sulfite oxidase deficiency. Identifiers: Orphanet 833, Orphanet 99731, MedGen C0268624, MONDO:0010089, OMIM 272300, HP:0003643.

Submission:

Labcorp Genetics (formerly Invitae), Labcorp
Classification: Pathogenic for Sulfite oxidase deficiency. Last evaluated: 2023-07-13. Review status: criteria provided, single submitter. Criteria: Invitae Variant Classification Sherloc (09022015). Collection method: clinical testing. Allele origin: unknown.
Comment: For these reasons, this variant has been classified as Pathogenic. A gross deletion of the genomic region encompassing the full coding sequence of the SUOX gene has been identified. Loss-of-function variants in SUOX are known to be pathogenic (PMID: 1212661, 9600976, 15952210, 32978145). The boundaries of this event are unknown as they extend beyond the assayed region for this gene and therefore may encompass additional genes. This variant has not been reported in the literature in individuals affected with SUOX-related conditions.

Literature cited by the submitters: PubMed 1212661; PubMed 9600976; PubMed 15952210; PubMed 32978145.